The following is an entry in ClinVar:

NM_001851.6(COL9A1):c.1066-36C>A

Gene: COL9A1 (collagen type IX alpha 1 chain; minus strand). Cytogenetic location: 6q13.
Variant type: single nucleotide variant.
Coding change: c.1066-36C>A on transcript NM_001851.6 (MANE Select); 36 bases into the intron before coding-DNA position 1066, C replaced by A.
Molecular consequence: intron variant.
Genome position (GRCh38, 1-based): chr6:70,272,124, G>T on the plus strand (C>A on the coding strand, the complement: COL9A1 is on the minus strand). VCF-style: chr6-70272124-G-T. GRCh37 (hg19) VCF-style: chr6-70981827-G-T.
Other names: c.337-36C>A (NM_001377290.1, NM_078485.4, NM_001377289.1).
Identifiers: ClinVar variation 258336 (VCV000258336.2), dbSNP rs77357454, ClinGen allele CA3882440.

ClinVar aggregate classification (germline): Benign. Review status: criteria provided, multiple submitters, no conflicts (2 of 4 stars). 2 submissions from 2 submitters: Benign (2). Last evaluated 2018-06-14.

Allele frequency attached by ClinVar (database versions not stated): 1000 Genomes Project 30x 0.02249; 1000 Genomes Project 0.02256; TOPMed 0.03985; gnomAD 0.04515 and 0.04608; ESP Exome Variant Server 0.04699; gnomAD exomes 0.04719 and 0.06018; ExAC 0.04989.
gnomAD v4.1: 91,811 of 1,572,138 alleles (5.8%); highest among the groups gnomAD compares: Non-Finnish European, 6.8%; 3,107 homozygotes.

Submissions (2):

GeneDx
Classification: Benign. Last evaluated: 2018-06-14. Review status: criteria provided, single submitter. Criteria: GeneDx Variant Classification (06012015). Collection method: clinical testing. Allele origin: germline. Affected: yes.
Comment: This variant is considered likely benign or benign based on one or more of the following criteria: it is a conservative change, it occurs at a poorly conserved position in the protein, it is predicted to be benign by multiple in silico algorithms, and/or has population frequency not consistent with disease.

PreventionGenetics, part of Exact Sciences
Classification: Benign. Review status: criteria provided, single submitter. Criteria: ACMG Guidelines, 2015. Collection method: clinical testing. Allele origin: germline.